The following is an entry in ClinVar:

NM_018706.7(DHTKD1):c.1853T>A (p.Ile618Asn)

Gene: DHTKD1 (dehydrogenase E1 and transketolase domain containing 1; plus strand). Cytogenetic location: 10p14.
Variant type: single nucleotide variant.
Coding change: c.1853T>A on transcript NM_018706.7 (MANE Select); coding-DNA position 1853, T replaced by A.
Protein change: p.Ile618Asn; replaces isoleucine 618 with asparagine.
Molecular consequence: missense variant.
Genome position (GRCh38, 1-based): chr10:12,101,138, T>A. VCF-style: chr10-12101138-T-A. GRCh37 (hg19) VCF-style: chr10-12143137-T-A.
Other names: c.1853T>A (NM_018706.5); short protein forms I618N.
Identifiers: ClinVar variation 1435537 (VCV001435537.9), dbSNP rs761295635, ClinGen allele CA5408049.

ClinVar aggregate classification (germline): Uncertain significance. Review status: criteria provided, multiple submitters, no conflicts (2 of 4 stars). 2 submissions from 2 submitters: Uncertain significance (2). Last evaluated 2025-02-23.

Conditions:
Inborn genetic diseases. Identifiers: MedGen C0950123, MeSH D030342.
2-aminoadipic 2-oxoadipic aciduria (AAKAD). Also called: ALPHA-AMINOADIPIC AND ALPHA-KETOADIPIC ACIDURIA; Aminoadipic aciduria. Identifiers: Orphanet 79154, MedGen C1859817, MONDO:0008774, OMIM 204750.

Allele frequency attached by ClinVar (database versions not stated): ExAC 0.00002; gnomAD 0.00002; gnomAD exomes 0.00002 and 0.00003; TOPMed 0.00002.
gnomAD v4.1: 51 of 1,613,908 alleles (0.0032%); highest among the groups gnomAD compares: Non-Finnish European, 0.0042%; no homozygotes.

Submissions (2):

Labcorp Genetics (formerly Invitae), Labcorp
Classification: Uncertain significance for 2-aminoadipic 2-oxoadipic aciduria. Last evaluated: 2025-02-23. Review status: criteria provided, single submitter. Criteria: Invitae Variant Classification Sherloc (09022015). Collection method: clinical testing. Allele origin: germline.
Comment: This sequence change replaces isoleucine, which is neutral and non-polar, with asparagine, which is neutral and polar, at codon 618 of the DHTKD1 protein (p.Ile618Asn). This variant is present in population databases (rs761295635, gnomAD 0.005%). This variant has not been reported in the literature in individuals affected with DHTKD1-related conditions. ClinVar contains an entry for this variant (Variation ID: 1435537). Invitae Evidence Modeling of protein sequence and biophysical properties (such as structural, functional, and spatial information, amino acid conservation, physicochemical variation, residue mobility, and thermodynamic stability) indicates that this missense variant is not expected to disrupt DHTKD1 protein function with a negative predictive value of 80%. In summary, the available evidence is currently insufficient to determine the role of this variant in disease. Therefore, it has been classified as a Variant of Uncertain Significance.

Ambry Genetics
Classification: Uncertain significance for Inborn genetic diseases. Last evaluated: 2023-01-31. Review status: criteria provided, single submitter. Criteria: Ambry Variant Classification Scheme 2023. Collection method: clinical testing. Allele origin: germline.